The following is an entry in ClinVar:

ClinVar aggregate classification (germline): Benign/Likely benign. Review status: criteria provided, multiple submitters, no conflicts (2 of 4 stars). 3 submissions from 3 submitters: Benign (1); Likely benign (1). 1 of the submissions does not count toward it. Last evaluated 2019-03-26.

Conditions:
DDX3X-related disorder. Also called: DDX3X-related condition.

Submissions (3):

GeneDx
Classification: Likely benign. Last evaluated: 2019-03-26. Review status: criteria provided, single submitter. Criteria: GeneDx Variant Classification Process June 2021. Collection method: clinical testing. Allele origin: germline. Affected: yes.

Labcorp Genetics (formerly Invitae), Labcorp
Classification: Benign. Last evaluated: 2017-05-30. Review status: criteria provided, single submitter. Criteria: Invitae Variant Classification Sherloc (09022015). Collection method: clinical testing. Allele origin: germline.

PreventionGenetics, part of Exact Sciences
Classification: Likely benign for DDX3X-related condition. Last evaluated: 2021-07-12. Review status: no assertion criteria provided. Collection method: clinical testing. Allele origin: germline. Not counted in ClinVar's aggregate classification.
Comment: This variant is classified as likely benign based on ACMG/AMP sequence variant interpretation guidelines (Richards et al. 2015 PMID: 25741868, with internal and published modifications).

NM_001356.5(DDX3X):c.104-3dup

Gene: DDX3X (DEAD-box helicase 3 X-linked; plus strand). Cytogenetic location: Xp11.4.
Variant type: Duplication.
Coding change: c.104-3dup on transcript NM_001356.5 (MANE Select); 3 bases into the intron before coding-DNA position 104, one base duplicated (T; older notation c.104-3dupT).
Molecular consequence: intron variant. On other transcripts: 5 prime UTR variant (1).
Genome position (GRCh38, 1-based): chrX:41,339,033, T duplicated; the last of 7 consecutive T bases (chrX:41,339,027-41,339,033); duplicating any one gives the same sequence. VCF-style (leftmost placement, unchanged base first): chrX-41339026-A-AT. GRCh37 (hg19) VCF-style: chrX-41198279-A-AT.
Other names: c.-458dup (NM_001363819.1); c.104-3dup (NM_001193416.3); c.103+1568dup (NM_001193417.3); c.104-3dupT (NM_001193416.2).
Identifiers: ClinVar variation 778981 (VCV000778981.7), dbSNP rs772419774, ClinGen allele CA10389348.
Genomic context (GRCh38, chrX:41,339,026, plus strand): 5'-AGTAACAGAAATTTAAATGGGAAGGTTTTTTGGCATTTAATTAATTTTATATATATATAT[A>AT]TTTTTTTAGAAGGGCGCTATATTCCTCCTCATTTAAGGAACCGAGAAGCTACTAAAGGTA-3'